The following is an entry in ClinVar:

NM_000138.5(FBN1):c.8544A>C (p.Lys2848Asn)

Gene: FBN1 (fibrillin 1; minus strand). Cytogenetic location: 15q21.1.
Variant type: single nucleotide variant.
Coding change: c.8544A>C on transcript NM_000138.5 (MANE Select); coding-DNA position 8544, A replaced by C.
Protein change: p.Lys2848Asn; replaces lysine 2848 with asparagine.
Molecular consequence: missense variant.
Genome position (GRCh38, 1-based): chr15:48,411,062, T>G on the plus strand (A>C on the coding strand, the complement: FBN1 is on the minus strand). VCF-style: chr15-48411062-T-G. GRCh37 (hg19) VCF-style: chr15-48703259-T-G.
Other names: short protein forms K2848N.
Identifiers: ClinVar variation 1010148 (VCV001010148.8), dbSNP rs2042856933, ClinGen allele CA392318587.

ClinVar aggregate classification (germline): Uncertain significance (1 of 4 stars; one submission).

Conditions:
Marfan syndrome (MFS). Also called: FBN1-Related Marfan Syndrome; MARFAN SYNDROME, TYPE I; Marfan syndrome type 1; Marfan's syndrome; Marfan syndrome, classic. Identifiers: Orphanet 284963, Orphanet 558, MedGen C0024796, MONDO:0007947, OMIM 154700.
Familial thoracic aortic aneurysm and aortic dissection (TAAD). Also called: Thoracic aortic aneurysms and dissections. Identifiers: Orphanet 91387, MedGen C4707243, MONDO:0019625.

Submission:

Labcorp Genetics (formerly Invitae), Labcorp
Classification: Uncertain significance for Marfan syndrome; Familial thoracic aortic aneurysm and aortic dissection. Last evaluated: 2025-05-14. Review status: criteria provided, single submitter. Criteria: Invitae Variant Classification Sherloc (09022015). Collection method: clinical testing. Allele origin: germline.
Comment: This sequence change replaces lysine, which is basic and polar, with asparagine, which is neutral and polar, at codon 2848 of the FBN1 protein (p.Lys2848Asn). This variant is not present in population databases (gnomAD no frequency). This variant has not been reported in the literature in individuals affected with FBN1-related conditions. ClinVar contains an entry for this variant (Variation ID: 1010148). Invitae Evidence Modeling of protein sequence and biophysical properties (such as structural, functional, and spatial information, amino acid conservation, physicochemical variation, residue mobility, and thermodynamic stability) indicates that this missense variant is not expected to disrupt FBN1 protein function with a negative predictive value of 95%. In summary, the available evidence is currently insufficient to determine the role of this variant in disease. Therefore, it has been classified as a Variant of Uncertain Significance.